The following is an entry in ClinVar:

NM_001369.3(DNAH5):c.7970A>T (p.Asp2657Val)

Gene: DNAH5 (dynein axonemal heavy chain 5; minus strand). Cytogenetic location: 5p15.2.
Variant type: single nucleotide variant.
Coding change: c.7970A>T on transcript NM_001369.3 (MANE Select); coding-DNA position 7970, A replaced by T.
Protein change: p.Asp2657Val; replaces aspartic acid 2657 with valine.
Molecular consequence: missense variant.
Genome position (GRCh38, 1-based): chr5:13,793,976, T>A on the plus strand (A>T on the coding strand, the complement: DNAH5 is on the minus strand). VCF-style: chr5-13793976-T-A. GRCh37 (hg19) VCF-style: chr5-13794085-T-A.
Other names: short protein forms D2657V.
Identifiers: ClinVar variation 4744920 (VCV004744920.1).

ClinVar aggregate classification (germline): Likely pathogenic (1 of 4 stars; one submission).

Conditions:
Primary ciliary dyskinesia. Also called: Ciliary dyskinesia. Identifiers: Orphanet 244, MedGen C0008780, MONDO:0016575, HP:0012265.

Submission:

Labcorp Genetics (formerly Invitae), Labcorp
Classification: Likely pathogenic for Primary ciliary dyskinesia. Last evaluated: 2025-10-05. Review status: criteria provided, single submitter. Criteria: Invitae Variant Classification Sherloc (09022015). Collection method: clinical testing. Allele origin: germline.
Comment: This sequence change replaces aspartic acid, which is acidic and polar, with valine, which is neutral and non-polar, at codon 2657 of the DNAH5 protein (p.Asp2657Val). This variant is not present in population databases (gnomAD no frequency). This missense change has been observed in individual(s) with primary ciliary dyskinesia (Internal). Invitae Evidence Modeling of protein sequence and biophysical properties (such as structural, functional, and spatial information, amino acid conservation, physicochemical variation, residue mobility, and thermodynamic stability) indicates that this missense variant is expected to disrupt DNAH5 protein function with a positive predictive value of 95%. In summary, the currently available evidence indicates that the variant is pathogenic, but additional data are needed to prove that conclusively. Therefore, this variant has been classified as Likely Pathogenic.